The following is an entry in ClinVar:

NM_001378454.1(ALMS1):c.6164A>G (p.Asn2055Ser)

Gene: ALMS1 (ALMS1 centrosome and basal body associated protein; plus strand). Cytogenetic location: 2p13.1.
Variant type: single nucleotide variant.
Coding change: c.6164A>G on transcript NM_001378454.1 (MANE Select); coding-DNA position 6164, A replaced by G.
Protein change: p.Asn2055Ser; replaces asparagine 2055 with serine.
Molecular consequence: missense variant.
Genome position (GRCh38, 1-based): chr2:73,452,691, A>G. VCF-style: chr2-73452691-A-G. GRCh37 (hg19) VCF-style: chr2-73679818-A-G.
Other names: c.6167A>G, p.Asn2056Ser (NM_015120.4); short protein forms N2055S, N2056S.
Identifiers: ClinVar variation 1992078 (VCV001992078.3), dbSNP rs772187394, ClinGen allele CA1714016.

ClinVar aggregate classification (germline): Conflicting classifications of pathogenicity. Review status: criteria provided, conflicting classifications (1 of 4 stars). 2 submissions from 2 submitters: Uncertain significance (1); Likely benign (1). Last evaluated 2026-03-12.

Conditions:
Alstrom syndrome (ALMS). Identifiers: Orphanet 64, MedGen C0268425, MONDO:0008763, OMIM 203800.
Cardiovascular phenotype. Identifiers: MedGen CN230736.

Allele frequency attached by ClinVar (database versions not stated): TOPMed 0.00001.
gnomAD v4.1: 24 of 1,613,756 alleles (0.0015%); highest among the groups gnomAD compares: African/African-American, 0.0027%; no homozygotes.

Submissions (2):

Ambry Genetics
Classification: Likely benign for Cardiovascular phenotype. Last evaluated: 2026-03-12. Review status: criteria provided, single submitter. Criteria: Ambry Variant Classification Scheme 2023. Collection method: clinical testing. Allele origin: germline.

Labcorp Genetics (formerly Invitae), Labcorp
Classification: Uncertain significance for Alstrom syndrome. Last evaluated: 2024-12-09. Review status: criteria provided, single submitter. Criteria: Invitae Variant Classification Sherloc (09022015). Collection method: clinical testing. Allele origin: germline.
Comment: This sequence change replaces asparagine, which is neutral and polar, with serine, which is neutral and polar, at codon 2056 of the ALMS1 protein (p.Asn2056Ser). This variant is present in population databases (rs772187394, gnomAD 0.005%). This variant has not been reported in the literature in individuals affected with ALMS1-related conditions. ClinVar contains an entry for this variant (Variation ID: 1992078). An algorithm developed to predict the effect of missense changes on protein structure and function outputs the following: PolyPhen-2: "Not Available". The serine amino acid residue is found in multiple mammalian species, which suggests that this missense change does not adversely affect protein function. In summary, the available evidence is currently insufficient to determine the role of this variant in disease. Therefore, it has been classified as a Variant of Uncertain Significance.